The following is an entry in ClinVar:

ClinVar aggregate classification (germline): Benign/Likely benign. Review status: criteria provided, multiple submitters, no conflicts (2 of 4 stars). 13 submissions from 13 submitters: Benign (5); Likely benign (2). 6 of the submissions do not count toward it. Last evaluated 2026-01-30.

Conditions:
Fanconi anemia (FA). Also called: Fanconi's anemia. Identifiers: Orphanet 84, MedGen C0015625, MeSH D005199, MONDO:0019391.
Fanconi anemia complementation group A (FANCA). Also called: Fanconi anemia, group A; FANCA-Related Fanconi Anemia. Identifiers: Orphanet 84, MedGen C3469521, MONDO:0009215, OMIM 227650.

Allele frequency attached by ClinVar (database versions not stated): gnomAD 0.00188 and 0.00056; gnomAD exomes 0.00235 and 0.00478; ExAC 0.00524; 1000 Genomes Project 30x 0.01077; 1000 Genomes Project 0.01098; ESP Exome Variant Server 0.00054; TOPMed 0.00071.
gnomAD v4.1: 3,720 of 1,614,124 alleles (0.23%); highest among the groups gnomAD compares: South Asian, 3.7%; 104 homozygotes.

Submissions (13):

Labcorp Genetics (formerly Invitae), Labcorp
Classification: Benign for Fanconi anemia. Last evaluated: 2026-01-30. Review status: criteria provided, single submitter. Criteria: Invitae Variant Classification Sherloc (09022015). Collection method: clinical testing. Allele origin: germline.

Mayo Clinic Laboratories, Mayo Clinic
Classification: Likely benign. Last evaluated: 2025-09-17. Review status: criteria provided, single submitter. Criteria: ACMG Guidelines, 2015. Collection method: clinical testing. Allele origin: germline. Observed: 8 variant alleles.
Comment: BS1, BP4

Quest Diagnostics Nichols Institute San Juan Capistrano
Classification: Benign. Last evaluated: 2025-07-24. Review status: criteria provided, single submitter. Criteria: Quest Diagnostics criteria. Collection method: clinical testing. Allele origin: unknown.

CeGaT Center for Human Genetics Tuebingen
Classification: Benign. Last evaluated: 2025-04-01. Review status: criteria provided, single submitter. Criteria: CeGaT Center For Human Genetics Tuebingen Variant Classification Criteria Version 2. Collection method: clinical testing. Allele origin: germline. Affected: yes. Observed: 3 variant alleles.
Comment: FANCA: BP4, BS1, BS2

Women's Health and Genetics/Laboratory Corporation of America, LabCorp
Classification: Benign. Last evaluated: 2023-12-07. Review status: criteria provided, single submitter. Criteria: LabCorp Variant Classification Summary - May 2015. Collection method: clinical testing. Allele origin: germline.
Comment: Variant summary: FANCA c.4036G>A (p.Ala1346Thr) results in a non-conservative amino acid change in the encoded protein sequence. Four of five in-silico tools predict a benign effect of the variant on protein function. The variant allele was found at a frequency of 0.0023 in 1607150 control chromosomes, predominantly at a frequency of 0.037 within the South Asian subpopulation in the gnomAD database (v4.0 dataset), including 104 homozygotes. The observed variant frequency within South Asian control individuals in the gnomAD database is approximately 17-fold of the estimated maximal expected allele frequency for a pathogenic variant in FANCA causing Fanconi Anemia phenotype (0.0022), strongly suggesting that the variant is a benign polymorphism found primarily in populations of South Asian origin. Although reported in the literature, to our knowledge, no compelling evidence supporting a pathogenic outcome has been ascertained for c.4036G>A in individuals affected with Fanconi Anemia, and no experimental evidence demonstrating its impact on protein function have been reported. Ten other submitters have cited clinical-significance assessments for this variant to ClinVar after 2014, and all classified this variant as Benign/Likely Benign. Based on the evidence outlined above, the variant was classified as benign.

Sema4
Classification: Benign for Fanconi anemia. Last evaluated: 2020-12-21. Review status: criteria provided, single submitter. Criteria: Sema4 Curation Guidelines. Collection method: curation. Allele origin: germline.

Illumina Laboratory Services, Illumina
Classification: Likely benign for Fanconi anemia complementation group A. Last evaluated: 2017-04-27. Review status: criteria provided, single submitter. Criteria: ICSL Variant Classification Criteria 13 December 2019. Collection method: clinical testing. Allele origin: germline.
Comment: This variant was observed as part of a predisposition screen in an ostensibly healthy population. A literature search was performed for the gene, cDNA change, and amino acid change (where applicable). No publications were found based on this search. Allele frequency data from public databases allowed determination this variant is unlikely to cause disease. Therefore, this variant is classified as likely benign.

Natera, Inc.
Classification: Benign for Fanconi anemia, group A. Last evaluated: 2020-09-16. Review status: no assertion criteria provided. Collection method: clinical testing. Allele origin: germline. Not counted in ClinVar's aggregate classification.

ITMI
No classification provided. Condition: AllHighlyPenetrant. Last evaluated: 2013-09-19. Review status: no classification provided. Collection method: reference population. Allele origin: germline. Not counted in ClinVar's aggregate classification.
Comment: Please see associated publication for description of ethnicities

Department of Pathology and Laboratory Medicine, Sinai Health System
Classification: Likely benign. Review status: no assertion criteria provided. Collection method: clinical testing. Allele origin: unknown. Affected: yes. Study: The Canadian Open Genetics Repository (COGR). Not counted in ClinVar's aggregate classification.
Comment: The FANCA p.Ala1346Thr variant was identified in probands affected by Fanconi Anemia. The variant was identified in 2 out of 122 proband chromosomes (frequency = 0.016) among Indian patients affected by Fanconi Anemia (Solanki_2016_PMID: 26799702). The variant was also identified in 1 out of 80 proband chromosomes (frequency = 0.006) in a compound heterozygous state among patients affected by Fanconi Anemia whose ethnicity was not specified (Ameziane_2008_PMID: 17924555). The variant was also identified in the Geno2MP database, found in a heterozygous state in 18 affected individuals and in a homozygous state in 1 affected individual. The variant was also identified in a heterozygous state in 4 relatives of affected individuals. The p.Ala1346Thr variant was identified in dbSNP (ID: rs17227396) as â€šÃ„ÃºWith other allele.â€šÃ„Ã¹ The p.Ala1346Thr variant was identified in ClinVar, and was classified as likely benign by Illumina in 2016 and as benign by Invitae in 2017. The variant was found in the ClinVitae (reported as â€šÃ„ÃºConflicting Interpretations of Pathogenicityâ€šÃ„Ã¹) and LOVD 3.0 (reported as â€šÃ„ÃºAffects functionâ€šÃ„Ã¹) databases. The variant was not identified in COGR, Cosmic, or MutDB databases. The p.Ala1346Thr variant was identified in control databases in 1215 of 282704 chromosomes (32 homozygous) at a frequency of 0.004298 increasing the likelihood this could be a low frequency benign variant (Genome Aggregation Database Feb 27, 2017). The variant was observed in the following populations: South Asian in 1150 of 30614 chromosomes (freq: 0.03756), Other in 18 of 7224 chromosomes (freq: 0.002492), African in 35 of 24956 chromosomes (freq: 0.001402), Latino in 5 of 35428 chromosomes (freq: 0.000141), East Asian in 2 of 19946 chromosomes (freq: 0.0001), European (non-Finnish) in 5 of 129056 chromosomes (freq: 0.000039), while the variant was not observed in the Ashkenazi Jewish, and European (Finnish) populations. The p.Ala1346 residue is not conserved in mammals and four out of fivecomputational analyses (SIFT, AlignGVGD, BLOSUM, and MutationTaster) do not suggest a high likelihood of impact to the protein. The variant occurs outside of the splicing consensus sequence and in silico or computational prediction software programs (SpliceSiteFinder, MaxEntScan, NNSPLICE, and GeneSplicer) do not predict a difference in splicing. In summary, based on the above information this variant meets our laboratory's criteria to be classified as likely benign. References: Solanki A, Mohanty P, Shukla P, Rao A, Ghosh K, Vundinti BR. FANCA Gene Mutations with 8 Novel Molecular Changes in Indian Fanconi Anemia Patients. PLoS One. 2016 Jan 22;11(1):e0147016. doi: 10.1371/journal.pone.0147016. eCollection 2016. PubMed PMID: 26799702; PubMed Central PMCID: PMC4723128 Ameziane N, Errami A, LâˆšÂ©veillâˆšÂ© F, Fontaine C, de Vries Y, van Spaendonk RM, de Winter JP, Pals G, Joenje H. Genetic subtyping of Fanconi anemia by comprehensive mutation screening. Hum Mutat. 2008 Jan;29(1):159-66. PubMed PMID: 17924555. Geno2MP, NHGRI/NHLBI University of Washington-Center for Mendelian Genomics (UW-CMG), Seattle, WA (URL: [Accessed November 28, 2018].

Genome Diagnostics Laboratory, Amsterdam University Medical Center
Classification: Benign. Review status: no assertion criteria provided. Collection method: clinical testing. Allele origin: germline. Affected: yes. Study: VKGL Data-share Consensus. Not counted in ClinVar's aggregate classification.

Laboratory of Diagnostic Genome Analysis, Leiden University Medical Center (LUMC)
Classification: Likely benign. Review status: no assertion criteria provided. Collection method: clinical testing. Allele origin: germline. Affected: yes. Study: VKGL Data-share Consensus. Not counted in ClinVar's aggregate classification.

Leiden Open Variation Database
Classification: Pathogenic for Fanconi anemia complementation group A. Last evaluated: 2020-02-28. Review status: flagged submission. Collection method: curation. Allele origin: germline. Affected: yes. Not counted in ClinVar's aggregate classification.
Comment: Curator: Arleen D. Auerbach. Submitter to LOVD: Johan de Winter.
ClinVar note: Reason: Outlier claim with insufficient supporting evidence

Literature cited by the submitters: PubMed 26799702 (cited by Quest Diagnostics Nichols Institute San Juan Capistrano); PubMed 24728327 (cited by Quest Diagnostics Nichols Institute San Juan Capistrano and ITMI); PubMed 17924555 (cited by Quest Diagnostics Nichols Institute San Juan Capistrano and Leiden Open Variation Database).

NM_000135.4(FANCA):c.4036G>A (p.Ala1346Thr)

Genes: FANCA (FA complementation group A; minus strand), ZNF276 (zinc finger protein 276; plus strand). Cytogenetic location: 16q24.3.
Variant type: single nucleotide variant.
Coding change: c.4036G>A on transcript NM_000135.4 (MANE Select); coding-DNA position 4036, G replaced by A.
Protein change: p.Ala1346Thr; replaces alanine 1346 with threonine.
Molecular consequence: missense variant. On other transcripts: non-coding transcript variant (4), 3 prime UTR variant (2).
Genome position (GRCh38, 1-based): chr16:89,739,264, C>T on the plus strand (G>A on the coding strand, the complement: FANCA is on the minus strand). VCF-style: chr16-89739264-C-T. GRCh37 (hg19) VCF-style: chr16-89805672-C-T.
Other names: c.4036G>A (NM_000135.3); c.4036G>A, p.Ala1346Thr (NM_001286167.3); c.*1018C>T (NM_001113525.2, NM_152287.4); short protein forms A1346T.
Identifiers: ClinVar variation 134281 (VCV000134281.51), dbSNP rs17227396, ClinGen allele CA159346.